The following is an entry in ClinVar:

NM_014874.4(MFN2):c.899G>A (p.Arg300His)

Gene: MFN2 (mitofusin 2; plus strand). Cytogenetic location: 1p36.22.
Variant type: single nucleotide variant.
Coding change: c.899G>A on transcript NM_014874.4 (MANE Select); coding-DNA position 899, G replaced by A.
Protein change: p.Arg300His; replaces arginine 300 with histidine.
Molecular consequence: missense variant.
Genome position (GRCh38, 1-based): chr1:12,001,483, G>A. VCF-style: chr1-12001483-G-A. GRCh37 (hg19) VCF-style: chr1-12061540-G-A.
Other names: c.899G>A, p.Arg300His (NM_001127660.2); short protein forms R300H.
Identifiers: ClinVar variation 1195317 (VCV001195317.10), dbSNP rs1226075443, ClinGen allele CA338441793.
Genomic context (GRCh38, chr1:12,001,483, plus strand): 5'-GTTGTACCAGCTTCCTGGTGGATGAGCTGGGCGTGGTGGATCGATCCCAGGCCGGGGACC[G>A]CATCTTCTTTGTGTCTGCTAAGGAGGTGCTCAACGCCAGGATTCAGAAAGCCCAGGGCAT-3'
Protein context (NP_055689.1, residues 290-310): GVVDRSQAGD[Arg300His]IFFVSAKEVL

ClinVar aggregate classification (germline): Uncertain significance. Review status: criteria provided, multiple submitters, no conflicts (2 of 4 stars). 2 submissions from 2 submitters: Uncertain significance (2). Last evaluated 2025-02-06.

Conditions:
Charcot-Marie-Tooth disease type 2. Also called: Charcot-Marie-Tooth type 2. Identifiers: Orphanet 64746, MedGen C0270914, MONDO:0018993.

Allele frequency attached by ClinVar (database versions not stated): gnomAD exomes 0.00001.
gnomAD v4.1: 13 of 1,613,978 alleles (0.00081%); highest among the groups gnomAD compares: Admixed American, 0.0017%; no homozygotes.

Submissions (2):

GeneDx
Classification: Uncertain significance. Last evaluated: 2025-02-06. Review status: criteria provided, single submitter. Criteria: GeneDx Variant Classification Process June 2021. Collection method: clinical testing. Allele origin: germline. Affected: yes.
Comment: Has not been previously published as pathogenic or benign to our knowledge; In silico analysis supports that this missense variant has a deleterious effect on protein structure/function

Labcorp Genetics (formerly Invitae), Labcorp
Classification: Uncertain significance for Charcot-Marie-Tooth disease type 2. Last evaluated: 2023-11-17. Review status: criteria provided, single submitter. Criteria: Invitae Variant Classification Sherloc (09022015). Collection method: clinical testing. Allele origin: germline.
Comment: This sequence change replaces arginine, which is basic and polar, with histidine, which is basic and polar, at codon 300 of the MFN2 protein (p.Arg300His). The frequency data for this variant in the population databases is considered unreliable, as metrics indicate poor data quality at this position in the gnomAD database. This variant has not been reported in the literature in individuals affected with MFN2-related conditions. ClinVar contains an entry for this variant (Variation ID: 1195317). Advanced modeling of protein sequence and biophysical properties (such as structural, functional, and spatial information, amino acid conservation, physicochemical variation, residue mobility, and thermodynamic stability) performed at Invitae indicates that this missense variant is expected to disrupt MFN2 protein function with a positive predictive value of 80%. In summary, the available evidence is currently insufficient to determine the role of this variant in disease. Therefore, it has been classified as a Variant of Uncertain Significance.